The following is an entry in ClinVar:

NM_007294.4(BRCA1):c.136T>G (p.Phe46Val)

Gene: BRCA1 (BRCA1 DNA repair associated; minus strand). Cytogenetic location: 17q21.31.
Variant type: single nucleotide variant.
Coding change: c.136T>G on transcript NM_007294.4 (MANE Select); coding-DNA position 136, T replaced by G.
Protein change: p.Phe46Val; replaces phenylalanine 46 with valine.
Molecular consequence: missense variant. On other transcripts: 5 prime UTR variant (1), non-coding transcript variant (1).
Genome position (GRCh38, 1-based): chr17:43,106,532, A>C on the plus strand (T>G on the coding strand, the complement: BRCA1 is on the minus strand). VCF-style: chr17-43106532-A-C. GRCh37 (hg19) VCF-style: chr17-41258549-A-C.
Other names: c.-6T>G (NM_001408498.1, NM_001408499.1, NM_001408500.1 and 99 more transcripts); c.-53T>G (NM_001408502.1, NM_001408506.1, NM_001408507.1 and 58 more transcripts); c.136T>G, p.Phe46Val (NM_007298.4, NM_007299.4, NM_007300.4 and 168 more transcripts); short protein forms F46V.
Identifiers: ClinVar variation 867878 (VCV000867878.8), dbSNP rs2054796556, ClinGen allele CA10601882.

ClinVar aggregate classification (germline): Uncertain significance (1 of 4 stars; one submission).

Conditions:
Hereditary breast ovarian cancer syndrome. Also called: Hereditary breast and ovarian cancer; Hereditary breast and ovarian cancer syndrome (HBOC); Breast and ovarian cancer; Hereditary breast and/or ovarian cancer syndrome; BRCA1- and BRCA2-Associated Hereditary Breast and Ovarian Cancer; Hereditary breast and ovarian cancer syndrome. Identifiers: Orphanet 145, MedGen C0677776, MeSH D061325, MONDO:0003582. Disease mechanism: loss of function.

Submissions (2):

Labcorp Genetics (formerly Invitae), Labcorp
Classification: Uncertain significance for Hereditary breast ovarian cancer syndrome. Last evaluated: 2023-12-15. Review status: criteria provided, single submitter. Criteria: Invitae Variant Classification Sherloc (09022015). Collection method: clinical testing. Allele origin: germline.
Comment: This sequence change replaces phenylalanine, which is neutral and non-polar, with valine, which is neutral and non-polar, at codon 46 of the BRCA1 protein (p.Phe46Val). This variant is not present in population databases (gnomAD no frequency). This variant has not been reported in the literature in individuals affected with BRCA1-related conditions. ClinVar contains an entry for this variant (Variation ID: 867878). An algorithm developed to predict the effect of missense changes on protein structure and function (PolyPhen-2) suggests that this variant is likely to be disruptive. Experimental studies have shown that this missense change does not substantially affect BRCA1 function (PMID: 30209399). In summary, the available evidence is currently insufficient to determine the role of this variant in disease. Therefore, it has been classified as a Variant of Uncertain Significance.

Brotman Baty Institute, University of Washington
No classification provided (evidence only). Condition: Breast-ovarian cancer, familial 1. Review status: no classification provided. Collection method: in vitro. Allele origin: not applicable. Functional consequence: functionally_normal. Not counted in ClinVar's aggregate classification.
ClinVar note: "not provided" was previously submitted as the classification for the variant. However, the classification appeared to be based only on an observation of functional data so it was converted to no classification on 2025-07-30.

Literature cited by the submitters: PubMed 30209399 (cited by Labcorp Genetics (formerly Invitae), Labcorp).